The following is an entry in ClinVar:

NM_020822.3(KCNT1):c.2277C>T (p.Tyr759=)

Gene: KCNT1 (potassium sodium-activated channel subfamily T member 1; plus strand). Cytogenetic location: 9q34.3.
Variant type: single nucleotide variant.
Coding change: c.2277C>T on transcript NM_020822.3 (MANE Select); coding-DNA position 2277, C replaced by T.
Protein change: p.Tyr759=; no amino-acid change (tyrosine 759 retained).
Molecular consequence: synonymous variant.
Genome position (GRCh38, 1-based): chr9:135,775,343, C>T. VCF-style: chr9-135775343-C-T. GRCh37 (hg19) VCF-style: chr9-138667189-C-T.
Other names: c.2142C>T, p.Tyr714= (NM_001272003.2).
Identifiers: ClinVar variation 3771973 (VCV003771973.13).

ClinVar aggregate classification (germline): Likely benign (1 of 4 stars; one submission).

Submission:

CeGaT Center for Human Genetics Tuebingen
Classification: Likely benign. Last evaluated: 2024-12-01. Review status: criteria provided, single submitter. Criteria: CeGaT Center For Human Genetics Tuebingen Variant Classification Criteria Version 2. Collection method: clinical testing. Allele origin: germline. Affected: yes. Observed: 1 variant allele.
Comment: KCNT1: PM2:Supporting, BP4, BP7